The following is an entry in ClinVar:

ClinVar aggregate classification (germline): Likely benign. Review status: criteria provided, single submitter (1 of 4 stars). 2 submissions from 2 submitters: Likely benign (1). 1 of the submissions does not count toward it. Last evaluated 2018-07-23.

Conditions:
CTBP2-related disorder. Also called: CTBP2-related condition.

Allele frequency attached by ClinVar (database versions not stated): 1000 Genomes Project 30x 0.00031; 1000 Genomes Project 0.00040; ExAC 0.00085; gnomAD exomes 0.00096; TOPMed 0.00108; ESP Exome Variant Server 0.00115; gnomAD 0.00125 and 0.00133.

Submissions (2):

Labcorp Genetics (formerly Invitae), Labcorp
Classification: Likely benign. Last evaluated: 2018-07-23. Review status: criteria provided, single submitter. Criteria: Invitae Variant Classification Sherloc (09022015). Collection method: clinical testing. Allele origin: germline.

PreventionGenetics, part of Exact Sciences
Classification: Likely benign for CTBP2-related condition. Last evaluated: 2023-07-25. Review status: no assertion criteria provided. Collection method: clinical testing. Allele origin: germline. Not counted in ClinVar's aggregate classification.
Comment: This variant is classified as likely benign based on ACMG/AMP sequence variant interpretation guidelines (Richards et al. 2015 PMID: 25741868, with internal and published modifications).

NM_001329.4(CTBP2):c.58+11688A>G

Gene: CTBP2 (C-terminal binding protein 2; minus strand). Cytogenetic location: 10q26.13.
Variant type: single nucleotide variant.
Coding change: c.58+11688A>G on transcript NM_001329.4 (MANE Select); 11688 bases into the intron after coding-DNA position 58, A replaced by G.
Molecular consequence: intron variant. On other transcripts: missense variant (1).
Genome position (GRCh38, 1-based): chr10:125,027,309, T>C on the plus strand (A>G on the coding strand, the complement: CTBP2 is on the minus strand). VCF-style: chr10-125027309-T-C. GRCh37 (hg19) VCF-style: chr10-126715878-T-C.
Other names: c.451A>G, p.Met151Val (NM_022802.3); c.58+11688A>G (NM_001083914.3, NM_001290214.3, NM_001321012.2 and 3 more transcripts); short protein forms M151V.
Identifiers: ClinVar variation 748662 (VCV000748662.5), dbSNP rs143460037, ClinGen allele CA5736539.